The following is an entry in ClinVar:

NM_000089.4(COL1A2):c.1757G>C (p.Gly586Ala)

Gene: COL1A2 (collagen type I alpha 2 chain; plus strand). Cytogenetic location: 7q21.3.
Variant type: single nucleotide variant.
Coding change: c.1757G>C on transcript NM_000089.4 (MANE Select); coding-DNA position 1757, G replaced by C.
Protein change: p.Gly586Ala; replaces glycine 586 with alanine.
Molecular consequence: missense variant.
Genome position (GRCh38, 1-based): chr7:94,415,263, G>C. VCF-style: chr7-94415263-G-C. GRCh37 (hg19) VCF-style: chr7-94044575-G-C.
Other names: short protein forms G586A.
Identifiers: ClinVar variation 1405907 (VCV001405907.6), dbSNP rs121912907, ClinGen allele CA368222535.

ClinVar aggregate classification (germline): Pathogenic (1 of 4 stars; one submission).

Conditions:
Ehlers-Danlos syndrome, classic type, 1 (EDSCL1). Also called: EHLERS-DANLOS SYNDROME, GRAVIS TYPE; EHLERS-DANLOS SYNDROME, SEVERE CLASSIC TYPE; Ehlers-Danlos syndrome, type 1; Ehlers-Danlos Syndrome, Classic Type, COL5A1-Related; EDS I. Identifiers: MedGen C0268335, MONDO:0019567, OMIM 130000.
Osteogenesis imperfecta type I (OI1). Also called: OI, TYPE I; OSTEOGENESIS IMPERFECTA TARDA; OSTEOGENESIS IMPERFECTA WITH BLUE SCLERAE; Osteogenesis imperfecta type 1; Lobstein's Disease; Lobstein disease. Identifiers: Orphanet 216796, Orphanet 666, MedGen C0023931, MONDO:0008146, OMIM 166200. Disease mechanism: loss of function.

Submission:

Labcorp Genetics (formerly Invitae), Labcorp
Classification: Pathogenic for Osteogenesis imperfecta type I; Ehlers-Danlos syndrome, classic type, 1. Last evaluated: 2022-10-18. Review status: criteria provided, single submitter. Criteria: Invitae Variant Classification Sherloc (09022015). Collection method: clinical testing. Allele origin: germline.
Comment: This sequence change replaces glycine, which is neutral and non-polar, with alanine, which is neutral and non-polar, at codon 586 of the COL1A2 protein (p.Gly586Ala). This variant is not present in population databases (gnomAD no frequency). For these reasons, this variant has been classified as Pathogenic. This variant disrupts the triple helix domain of COL1A2. Glycine residues within the Gly-Xaa-Yaa repeats of the triple helix domain are required for the structure and stability of fibrillar collagens (PMID: 7695699, 8218237, 19344236). In COL1A2, variants affecting these glycine residues are significantly enriched in individuals with disease (PMID: 9016532, 17078022) compared to the general population (ExAC). Advanced modeling of protein sequence and biophysical properties (such as structural, functional, and spatial information, amino acid conservation, physicochemical variation, residue mobility, and thermodynamic stability) performed at Invitae indicates that this missense variant is expected to disrupt COL1A2 protein function. ClinVar contains an entry for this variant (Variation ID: 1405907). This missense change has been observed in individual(s) with clinical features of osteogenesis imperfecta (Invitae).

Literature cited by the submitters: PubMed 7695699; PubMed 8218237; PubMed 19344236; PubMed 9016532; PubMed 17078022.